The following is an entry in ClinVar:

NM_001365999.1(SZT2):c.5495T>C (p.Val1832Ala)

Gene: SZT2 (SZT2 subunit of KICSTOR complex; plus strand). Cytogenetic location: 1p34.2.
Variant type: single nucleotide variant.
Coding change: c.5495T>C on transcript NM_001365999.1 (MANE Select); coding-DNA position 5495, T replaced by C.
Protein change: p.Val1832Ala; replaces valine 1832 with alanine.
Molecular consequence: missense variant.
Genome position (GRCh38, 1-based): chr1:43,432,569, T>C. VCF-style: chr1-43432569-T-C. GRCh37 (hg19) VCF-style: chr1-43898240-T-C.
Other names: c.5324T>C, p.Val1775Ala (NM_015284.4); short protein forms V1775A, V1832A.
Identifiers: ClinVar variation 3341057 (VCV003341057.2).

ClinVar aggregate classification (germline): Uncertain significance (1 of 4 stars; one submission).

gnomAD v4.1: 2 of 1,613,522 alleles (0.00012%); highest among the groups gnomAD compares: South Asian, 0.0011%; no homozygotes.

Submission:

GeneDx
Classification: Uncertain significance. Last evaluated: 2025-04-14. Review status: criteria provided, single submitter. Criteria: GeneDx Variant Classification Process June 2021. Collection method: clinical testing. Allele origin: germline.
Comment: Not observed at significant frequency in large population cohorts (gnomAD); In silico analysis supports that this missense variant does not alter protein structure/function; Has not been previously published as pathogenic or benign to our knowledge